The following is an entry in ClinVar:

ClinVar aggregate classification (germline): Uncertain significance (1 of 4 stars; one submission).

Allele frequency attached by ClinVar (database versions not stated): ExAC 0.00001; gnomAD exomes 0.00001.
gnomAD v4.1: 3 of 1,601,996 alleles (0.00019%); highest among the groups gnomAD compares: South Asian, 0.0034%; no homozygotes.

Submission:

GeneDx
Classification: Uncertain significance. Last evaluated: 2023-05-12. Review status: criteria provided, single submitter. Criteria: GeneDx Variant Classification Process June 2021. Collection method: clinical testing. Allele origin: germline. Affected: yes.
Comment: In silico analysis supports that this missense variant has a deleterious effect on protein structure/function; Has not been previously published as pathogenic or benign to our knowledge

NM_022168.4(IFIH1):c.1721G>A (p.Gly574Glu)

Gene: IFIH1 (interferon induced with helicase C domain 1; minus strand). Cytogenetic location: 2q24.2.
Variant type: single nucleotide variant.
Coding change: c.1721G>A on transcript NM_022168.4 (MANE Select); coding-DNA position 1721, G replaced by A.
Protein change: p.Gly574Glu; replaces glycine 574 with glutamic acid.
Molecular consequence: missense variant.
Genome position (GRCh38, 1-based): chr2:162,278,249, C>T on the plus strand (G>A on the coding strand, the complement: IFIH1 is on the minus strand). VCF-style: chr2-162278249-C-T. GRCh37 (hg19) VCF-style: chr2-163134759-C-T.
Other names: short protein forms G574E.
Identifiers: ClinVar variation 2662341 (VCV002662341.1), dbSNP rs775003095, ClinGen allele CA1934427.